The following is an entry in ClinVar:

NM_020937.4(FANCM):c.2657T>C (p.Val886Ala)

Gene: FANCM (FA complementation group M; plus strand). Cytogenetic location: 14q21.2.
Variant type: single nucleotide variant.
Coding change: c.2657T>C on transcript NM_020937.4 (MANE Select); coding-DNA position 2657, T replaced by C.
Protein change: p.Val886Ala; replaces valine 886 with alanine.
Molecular consequence: missense variant.
Genome position (GRCh38, 1-based): chr14:45,175,411, T>C. VCF-style: chr14-45175411-T-C. GRCh37 (hg19) VCF-style: chr14-45644614-T-C.
Other names: c.2579T>C, p.Val860Ala (NM_001308133.2); short protein forms V860A, V886A.
Identifiers: ClinVar variation 1698367 (VCV001698367.2), dbSNP rs1451280124, ClinGen allele CA389598336.

ClinVar aggregate classification (germline): Uncertain significance (1 of 4 stars; one submission).

Allele frequency attached by ClinVar (database versions not stated): gnomAD exomes below 0.00001.

Submission:

GeneDx
Classification: Uncertain significance. Last evaluated: 2022-01-19. Review status: criteria provided, single submitter. Criteria: GeneDx Variant Classification Process June 2021. Collection method: clinical testing. Allele origin: germline. Affected: yes.
Comment: Not observed at significant frequency in large population cohorts (gnomAD); In silico analysis supports that this missense variant does not alter protein structure/function; Has not been previously published as pathogenic or benign to our knowledge